The following is an entry in ClinVar:

ClinVar aggregate classification (germline): Uncertain significance. Review status: criteria provided, multiple submitters, no conflicts (2 of 4 stars). 2 submissions from 2 submitters: Uncertain significance (2). Last evaluated 2023-12-19.

Conditions:
Hereditary cancer-predisposing syndrome. Also called: Hereditary neoplastic syndrome; Neoplastic Syndromes, Hereditary; Hereditary Cancer Syndrome; Tumor predisposition. Identifiers: Orphanet 140162, MedGen C0027672, MeSH D009386, MONDO:0015356.
Ataxia-telangiectasia syndrome (AT). Also called: LOUIS-BAR SYNDROME; Cerebello-oculocutaneous telangiectasia; Immunodeficiency with ataxia telangiectasia; ATAXIA-TELANGIECTASIA, COMPLEMENTATION GROUP A; ATAXIA-TELANGIECTASIA, FRESNO VARIANT; Ataxia-telangiectasia, complementation group D. Identifiers: Orphanet 100, MedGen C0004135, MONDO:0008840, OMIM 208900.

Submissions (2):

Labcorp Genetics (formerly Invitae), Labcorp
Classification: Uncertain significance for Ataxia-telangiectasia syndrome. Last evaluated: 2023-12-19. Review status: criteria provided, single submitter. Criteria: Invitae Variant Classification Sherloc (09022015). Collection method: clinical testing. Allele origin: germline.
Comment: This sequence change replaces leucine, which is neutral and non-polar, with proline, which is neutral and non-polar, at codon 1851 of the ATM protein (p.Leu1851Pro). This variant is not present in population databases (gnomAD no frequency). This variant has not been reported in the literature in individuals affected with ATM-related conditions. ClinVar contains an entry for this variant (Variation ID: 1409818). An algorithm developed to predict the effect of missense changes on protein structure and function (PolyPhen-2) suggests that this variant is likely to be disruptive. In summary, the available evidence is currently insufficient to determine the role of this variant in disease. Therefore, it has been classified as a Variant of Uncertain Significance.

Ambry Genetics
Classification: Uncertain significance for Hereditary cancer-predisposing syndrome. Last evaluated: 2023-12-18. Review status: criteria provided, single submitter. Criteria: Ambry Variant Classification Scheme 2023. Collection method: clinical testing. Allele origin: germline.
Comment: The p.L1851P variant (also known as c.5552T>C), located in coding exon 36 of the ATM gene, results from a T to C substitution at nucleotide position 5552. The leucine at codon 1851 is replaced by proline, an amino acid with similar properties. This amino acid position is conserved. In addition, this alteration is predicted to be deleterious by in silico analysis. Since supporting evidence is limited at this time, the clinical significance of this alteration remains unclear.

NM_000051.4(ATM):c.5552T>C (p.Leu1851Pro)

Gene: ATM (ATM serine/threonine kinase; plus strand). Cytogenetic location: 11q22.3.
Variant type: single nucleotide variant.
Coding change: c.5552T>C on transcript NM_000051.4 (MANE Select); coding-DNA position 5552, T replaced by C.
Protein change: p.Leu1851Pro; replaces leucine 1851 with proline.
Molecular consequence: missense variant.
Genome position (GRCh38, 1-based): chr11:108,304,730, T>C. VCF-style: chr11-108304730-T-C. GRCh37 (hg19) VCF-style: chr11-108175457-T-C.
Other names: c.5552T>C (NM_000051.3); c.5552T>C, p.Leu1851Pro (NM_001351834.2); short protein forms L1851P.
Identifiers: ClinVar variation 1409818 (VCV001409818.7), dbSNP rs2135943595, ClinGen allele CA382545993.